The following is an entry in ClinVar:

ClinVar aggregate classification (germline): Uncertain significance (1 of 4 stars; one submission).

Submission:

Ambry Genetics
Classification: Uncertain significance. Last evaluated: 2021-09-20. Review status: criteria provided, single submitter. Criteria: Ambry Variant Classification Scheme 2023. Collection method: clinical testing. Allele origin: germline.
Comment: The p.S855F variant (also known as c.2564C>T), located in coding exon 4 of the ALPK2 gene, results from a C to T substitution at nucleotide position 2564. The serine at codon 855 is replaced by phenylalanine, an amino acid with highly dissimilar properties. This amino acid position is conserved. In addition, this alteration is predicted to be tolerated by in silico analysis. Since supporting evidence is limited at this time, the clinical significance of this alteration remains unclear.

NM_052947.4(ALPK2):c.2564C>T (p.Ser855Phe)

Gene: ALPK2 (alpha kinase 2; minus strand). Cytogenetic location: 18q21.31.
Variant type: single nucleotide variant.
Coding change: c.2564C>T on transcript NM_052947.4 (MANE Select); coding-DNA position 2564, C replaced by T.
Protein change: p.Ser855Phe; replaces serine 855 with phenylalanine.
Molecular consequence: missense variant.
Genome position (GRCh38, 1-based): chr18:58,537,623, G>A on the plus strand (C>T on the coding strand, the complement: ALPK2 is on the minus strand). VCF-style: chr18-58537623-G-A. GRCh37 (hg19) VCF-style: chr18-56204855-G-A.
Other names: short protein forms S855F.
Identifiers: ClinVar variation 1793149 (VCV001793149.2), dbSNP rs2518877516, ClinGen allele CA402570259.